The following is an entry in ClinVar:

NM_000166.6(GJB1):c.532G>A (p.Asp178Asn)

Gene: GJB1 (gap junction protein beta 1; plus strand). Cytogenetic location: Xq13.1.
Variant type: single nucleotide variant.
Coding change: c.532G>A on transcript NM_000166.6 (MANE Select); coding-DNA position 532, G replaced by A.
Protein change: p.Asp178Asn; replaces aspartic acid 178 with asparagine.
Molecular consequence: missense variant.
Genome position (GRCh38, 1-based): chrX:71,224,239, G>A. VCF-style: chrX-71224239-G-A. GRCh37 (hg19) VCF-style: chrX-70444089-G-A.
Other names: c.532G>A, p.Asp178Asn (NM_001097642.3); short protein forms D178N.
Identifiers: ClinVar variation 477600 (VCV000477600.42), dbSNP rs1555937223, ClinGen allele CA413503011.

ClinVar aggregate classification (germline): Pathogenic. Review status: criteria provided, multiple submitters, no conflicts (2 of 4 stars). 2 submissions from 2 submitters: Pathogenic (2). Last evaluated 2025-12-21.

Conditions:
Charcot-Marie-Tooth Neuropathy X. Identifiers: MedGen CN118851.

Submissions (2):

Labcorp Genetics (formerly Invitae), Labcorp
Classification: Pathogenic for Charcot-Marie-Tooth Neuropathy X. Last evaluated: 2025-12-21. Review status: criteria provided, single submitter. Criteria: Invitae Variant Classification Sherloc (09022015). Collection method: clinical testing. Allele origin: germline.
Comment: This sequence change replaces aspartic acid, which is acidic and polar, with asparagine, which is neutral and polar, at codon 178 of the GJB1 protein (p.Asp178Asn). This variant is not present in population databases (gnomAD no frequency). This missense change has been observed in individuals with clinical features of Charcot-Marie-Tooth disease (internal data). It has also been observed to segregate with disease in related individuals. ClinVar contains an entry for this variant (Variation ID: 477600). Invitae Evidence Modeling of protein sequence and biophysical properties (such as structural, functional, and spatial information, amino acid conservation, physicochemical variation, residue mobility, and thermodynamic stability) has been performed for this missense variant. However, the output from this modeling did not meet the statistical confidence thresholds required to predict the impact of this variant on GJB1 protein function. Experimental studies have shown that this missense change affects GJB1 function (PMID: 14663144). This variant disrupts the p.Asp178 amino acid residue in GJB1. Other variant(s) that disrupt this residue have been observed in individuals with GJB1-related conditions (PMID: 20193560), which suggests that this may be a clinically significant amino acid residue. For these reasons, this variant has been classified as Pathogenic.

CeGaT Center for Human Genetics Tuebingen
Classification: Pathogenic. Last evaluated: 2021-06-01. Review status: criteria provided, single submitter. Criteria: CeGaT Center For Human Genetics Tuebingen Variant Classification Criteria Version 2. Collection method: clinical testing. Allele origin: germline. Affected: yes. Observed: 1 variant allele.

Literature cited by the submitters: PubMed 14663144 (cited by Labcorp Genetics (formerly Invitae), Labcorp); PubMed 20193560 (cited by Labcorp Genetics (formerly Invitae), Labcorp).